The following is an entry in ClinVar:

ClinVar aggregate classification (germline): Pathogenic (1 of 4 stars; one submission).

Submission:

Labcorp Genetics (formerly Invitae), Labcorp
Classification: Pathogenic. Last evaluated: 2023-11-08. Review status: criteria provided, single submitter. Criteria: Invitae Variant Classification Sherloc (09022015). Collection method: clinical testing. Allele origin: germline.
Comment: This sequence change creates a premature translational stop signal (p.Gln1013*) in the SKIV2L gene. It is expected to result in an absent or disrupted protein product. Loss-of-function variants in SKIV2L are known to be pathogenic (PMID: 22444670). This variant is not present in population databases (gnomAD no frequency). This variant has not been reported in the literature in individuals affected with SKIV2L-related conditions. For these reasons, this variant has been classified as Pathogenic.

Literature cited by the submitters: PubMed 22444670.

NM_006929.5(SKIC2):c.3037C>T (p.Gln1013Ter)

Gene: SKIC2 (SKI2 subunit of superkiller complex; plus strand). Cytogenetic location: 6p21.33.
Variant type: single nucleotide variant.
Coding change: c.3037C>T on transcript NM_006929.5 (MANE Select); coding-DNA position 3037, C replaced by T.
Protein change: p.Gln1013Ter; replaces glutamine 1013 with a stop codon.
Molecular consequence: nonsense.
Genome position (GRCh38, 1-based): chr6:31,968,506, C>T. VCF-style: chr6-31968506-C-T. GRCh37 (hg19) VCF-style: chr6-31936283-C-T.
Other names: short protein forms Q1013*.
Identifiers: ClinVar variation 2799366 (VCV002799366.3), dbSNP rs1276536384, ClinGen allele CA363481896.